The following is an entry in ClinVar:

ClinVar aggregate classification (germline): Pathogenic. Review status: criteria provided, multiple submitters, no conflicts (2 of 4 stars). 6 submissions from 6 submitters: Pathogenic (4). 2 of the submissions do not count toward it. Last evaluated 2026-09-17.

Conditions:
Metachromatic leukodystrophy (MLD). Also called: Cerebral sclerosis diffuse metachromatic form; Arylsulfatase A Deficiency; CEREBROSIDE SULFATASE DEFICIENCY; METACHROMATIC LEUKOENCEPHALOPATHY; SULFATIDE LIPIDOSIS; ARSA DEFICIENCY. Identifiers: Orphanet 512, MedGen C0023522, MONDO:0018868, OMIM 250100.

Allele frequency attached by ClinVar (database versions not stated): gnomAD exomes below 0.00001 and 0.00001; ExAC 0.00001.

Submissions (7):

Laboratory of Experimental Gene Therapy of Hereditary Metabolic Diseases, Research Centre for Medical Genetics
Classification: Pathogenic for Metachromatic leukodystrophy. Last evaluated: 2026-09-17. Review status: criteria provided, single submitter. Criteria: ARSA MLD Assertion Criteria V2 2026 09 18. Collection method: clinical testing. Allele origin: germline. Inheritance: Autosomal recessive inheritance. Affected: yes. Observed: 1 variant allele, 1 compound heterozygote.
Comment: The previously reported Pathogenic classification was reviewed and retained for the accompanying study. External ClinVar record reviewed: VCV000068117.15. Observations from the present referral series were not used to establish pathogenicity.

Labcorp Genetics (formerly Invitae), Labcorp
Classification: Pathogenic for Metachromatic leukodystrophy. Last evaluated: 2026-01-11. Review status: criteria provided, single submitter. Criteria: Invitae Variant Classification Sherloc (09022015). Collection method: clinical testing. Allele origin: germline.
Comment: This sequence change replaces histidine, which is basic and polar, with tyrosine, which is neutral and polar, at codon 399 of the ARSA protein (p.His399Tyr). This variant is present in population databases (rs199476376, gnomAD 0.0009%). This missense change has been observed in individual(s) with metachromatic leukodystrophy (MLD) (PMID: 9452102, 20339381, 28762252). This variant is also known as 1189C>T or H397Y. ClinVar contains an entry for this variant (Variation ID: 68117). Invitae Evidence Modeling of protein sequence and biophysical properties (such as structural, functional, and spatial information, amino acid conservation, physicochemical variation, residue mobility, and thermodynamic stability) indicates that this missense variant is expected to disrupt ARSA protein function with a positive predictive value of 95%. Experimental studies have shown that this missense change affects ARSA function (PMID: 9452102, 28762252). For these reasons, this variant has been classified as Pathogenic.

Natera, Inc.
Classification: Pathogenic for Metachromatic leukodystrophy. Last evaluated: 2025-05-23. Review status: criteria provided, single submitter. Criteria: Natera Variant Classification Schema (03/2026). Collection method: clinical testing. Allele origin: germline.
Comment: The c.1195C>T variant in ARSA is a missense variant predicted to cause substitution of histidine to tyrosine at amino acid 399. This variant is rare in the general population with a frequency below the threshold expected for the associated phenotype(s). This variant has been observed in one or more individuals affected with the associated recessive disease, as either homozygous or compound heterozygous with a second variant (PMID: 32632536, 9452102, 20339381, 36240581). Functional studies show that this variant may disrupt protein function (PMID: 28762252). Computational prediction algorithms indicate this variant is likely to affect gene or protein function. Given the available evidence, this variant is classified as Pathogenic.

Women's Health and Genetics/Laboratory Corporation of America, LabCorp
Classification: Pathogenic for Metachromatic leukodystrophy. Last evaluated: 2024-10-30. Review status: criteria provided, single submitter. Criteria: LabCorp Variant Classification Summary - May 2015. Collection method: clinical testing. Allele origin: germline.
Comment: Variant summary: ARSA c.1195C>T (p.His399Tyr) results in a conservative amino acid change in the encoded protein sequence. Two of four in-silico tools predict a benign effect of the variant on protein function. The variant allele was found at a frequency of 8e-06 in 251068 control chromosomes (gnomAD). c.1195C>T has been reported in the literature in individuals affected with Metachromatic Leukodystrophy (Coulter-Mackie_1998, Qu_1999, Beerepoot_2020). These data indicate that the variant is likely to be associated with disease. At least two publication reported experimental evidence evaluating an impact on protein function. The most pronounced variant effect results in <10% of normal activity (Coulter-Mackie_1998, Bhringer_2017). The following publications have been ascertained in the context of this evaluation (PMID: 32632536, 28762252, 9375919, 10381328, 27261095). ClinVar contains an entry for this variant (Variation ID: 68117). Based on the evidence outlined above, the variant was classified as pathogenic.

Counsyl
Classification: Uncertain significance for Metachromatic leukodystrophy. Last evaluated: 2018-01-12. Review status: no assertion criteria provided. Collection method: clinical testing. Allele origin: unknown. Not counted in ClinVar's aggregate classification.

Gelb Laboratory, University of Washington
No classification provided (evidence only). Condition: Metachromatic leukodystrophy. Review status: no classification provided. Collection method: in vitro. Allele origin: not applicable. Functional consequence: loss of function. Not counted in ClinVar's aggregate classification.

UniProtKB/Swiss-Prot
No classification provided. Review status: no classification provided. Collection method: not provided. Allele origin: not provided. Not counted in ClinVar's aggregate classification.

Literature cited by the submitters: PubMed 9452102 (cited by 3 submitters); PubMed 20339381 (cited by 3 submitters); PubMed 28762252 (cited by 3 submitters); PubMed 32632536 (cited by Natera, Inc. and Women's Health and Genetics/Laboratory Corporation of America, LabCorp); PubMed 36240581 (cited by Natera, Inc.); PubMed 10381328 (cited by Women's Health and Genetics/Laboratory Corporation of America, LabCorp); PubMed 27261095 (cited by Women's Health and Genetics/Laboratory Corporation of America, LabCorp); PubMed 9375919 (cited by Women's Health and Genetics/Laboratory Corporation of America, LabCorp).

NM_000487.6(ARSA):c.1195C>T (p.His399Tyr)

Gene: ARSA (arylsulfatase A; minus strand). Cytogenetic location: 22q13.33.
Variant type: single nucleotide variant.
Coding change: c.1195C>T on transcript NM_000487.6 (MANE Select); coding-DNA position 1195, C replaced by T.
Protein change: p.His399Tyr; replaces histidine 399 with tyrosine.
Molecular consequence: missense variant.
Genome position (GRCh38, 1-based): chr22:50,625,594, G>A on the plus strand (C>T on the coding strand, the complement: ARSA is on the minus strand). VCF-style: chr22-50625594-G-A. GRCh37 (hg19) VCF-style: chr22-51064022-G-A.
Other names: NP_000478.3:p.(His399Tyr); c.1195C>T, p.His399Tyr (NM_001085425.3, NM_001085426.3, NM_001085427.3); c.937C>T, p.His313Tyr (NM_001085428.3, NM_001362782.2); short protein forms H399Y, H313Y.
Identifiers: ClinVar variation 68117 (VCV000068117.18), dbSNP rs199476376, ClinGen allele CA218990.